The following is an entry in ClinVar:

ClinVar aggregate classification (germline): Uncertain significance. Review status: criteria provided, multiple submitters, no conflicts (2 of 4 stars). 3 submissions from 3 submitters: Uncertain significance (3). Last evaluated 2023-12-07.

Conditions:
Familial thoracic aortic aneurysm and aortic dissection (TAAD). Also called: Thoracic aortic aneurysms and dissections. Identifiers: Orphanet 91387, MedGen C4707243, MONDO:0019625.

gnomAD v4.1: 1 of 1,614,060 alleles (0.000062%); highest among the groups gnomAD compares: Middle Eastern, 0.016%; no homozygotes.

Submissions (3):

Ambry Genetics
Classification: Uncertain significance for Familial thoracic aortic aneurysm and aortic dissection. Last evaluated: 2023-12-07. Review status: criteria provided, single submitter. Criteria: Ambry Variant Classification Scheme 2023. Collection method: clinical testing. Allele origin: germline.
Comment: The p.R168L variant (also known as c.503G>T), located in coding exon 3 of the TGFBR1 gene, results from a G to T substitution at nucleotide position 503. The arginine at codon 168 is replaced by leucine, an amino acid with dissimilar properties. This amino acid position is conserved. In addition, this alteration is predicted to be tolerated by in silico analysis. Since supporting evidence is limited at this time, the clinical significance of this alteration remains unclear.

Color Diagnostics, LLC DBA Color Health
Classification: Uncertain significance for Familial thoracic aortic aneurysm and aortic dissection. Last evaluated: 2023-12-04. Review status: criteria provided, single submitter. Criteria: ACMG Guidelines, 2015. Collection method: clinical testing. Allele origin: germline.
Comment: Variant of Uncertain Significance due to insufficient evidence: This missense variant is located in the cytoplasmic domain of the TGFBR1 protein. Computational prediction tools and conservation analyses are inconclusive regarding the impact of this variant on the protein function. Computational splicing tools suggest that this variant may not impact RNA splicing. To our knowledge, functional assays have not been performed for this variant nor has this variant been reported in individuals affected with cardiovascular disorders in the literature. This variant has been identified in 1/245744 chromosomes in the general population by the Genome Aggregation Database (gnomAD). Available evidence is insufficient to determine the pathogenicity of this variant conclusively.

Blueprint Genetics
Classification: Uncertain significance. Last evaluated: 2023-02-10. Review status: criteria provided, single submitter. Criteria: ACMG Guidelines, 2015. Collection method: clinical testing. Allele origin: germline.

NM_004612.4(TGFBR1):c.503G>T (p.Arg168Leu)

Gene: TGFBR1 (transforming growth factor beta receptor 1; plus strand). Cytogenetic location: 9q22.33.
Variant type: single nucleotide variant.
Coding change: c.503G>T on transcript NM_004612.4 (MANE Select); coding-DNA position 503, G replaced by T.
Protein change: p.Arg168Leu; replaces arginine 168 with leucine.
Molecular consequence: missense variant. On other transcripts: intron variant (1).
Genome position (GRCh38, 1-based): chr9:99,132,668, G>T. VCF-style: chr9-99132668-G-T. GRCh37 (hg19) VCF-style: chr9-101894950-G-T.
Other names: c.515G>T, p.Arg172Leu (NM_001306210.2); c.343+3568G>T (NM_001130916.3); c.503G>T (NM_004612.2); short protein forms R168L, R172L.
Identifiers: ClinVar variation 927178 (VCV000927178.7), dbSNP rs777965779, ClinGen allele CA374228255.